The following is an entry in ClinVar:

NM_007294.4(BRCA1):c.1710A>G (p.Pro570=)

Gene: BRCA1 (BRCA1 DNA repair associated; minus strand). Cytogenetic location: 17q21.31.
Variant type: single nucleotide variant.
Coding change: c.1710A>G on transcript NM_007294.4 (MANE Select); coding-DNA position 1710, A replaced by G.
Protein change: p.Pro570=; no amino-acid change (proline 570 retained).
Molecular consequence: synonymous variant. On other transcripts: intron variant (137).
Genome position (GRCh38, 1-based): chr17:43,093,821, T>C on the plus strand (A>G on the coding strand, the complement: BRCA1 is on the minus strand). VCF-style: chr17-43093821-T-C. GRCh37 (hg19) VCF-style: chr17-41245838-T-C.
Other names: c.1446A>G, p.Pro482= (NM_001407922.1, NM_001407923.1, NM_001407924.1 and 9 more transcripts); c.1497A>G, p.Pro499= (NM_001407571.1, NM_001407853.1, NM_001407894.1 and 9 more transcripts); c.1710A>G, p.Pro570= (NM_001407581.1, NM_001407582.1, NM_001407583.1 and 30 more transcripts); c.1707A>G, p.Pro569= (NM_001407587.1, NM_001407590.1, NM_001407591.1 and 22 more transcripts); c.1443A>G, p.Pro481= (NM_001407930.1, NM_001407931.1, NM_001407932.1 and 2 more transcripts); c.1587A>G, p.Pro529= (NM_001407937.1, NM_001407938.1, NM_001407939.1 and 19 more transcripts); c.1584A>G, p.Pro528= (NM_001407940.1, NM_001407941.1, NM_001407649.1 and 11 more transcripts); c.1569A>G, p.Pro523= (NM_001407942.1, NM_001407944.1, NM_001407945.1 and 29 more transcripts); and 40 more.
Identifiers: ClinVar variation 232651 (VCV000232651.22), dbSNP rs876659901, ClinGen allele CA10580657.
Genomic context (GRCh38, chr17:43,093,821, plus strand): 5'-ACTGCTGCTTATAGGTTCAGCTTTCGTTTTGAAAGCAGATTCTTTTTCGAGTGATTCTAT[T>C]GGGTTAGGATTTTTCTCATTCTGAATAGAATCACCTTTTGTTTTATTCTCATGACCACTA-3'
Protein context (NP_009225.1, residues 560-580): DSIQNEKNPN[Pro570=]IESLEKESAF

ClinVar aggregate classification (germline): Likely benign. Review status: reviewed by expert panel (3 of 4 stars). 6 submissions from 6 submitters: Likely benign (1). 5 of the submissions do not count toward it. Last evaluated 2017-06-29.

Conditions:
Hereditary breast ovarian cancer syndrome. Also called: Breast and ovarian cancer; Hereditary breast and ovarian cancer; Hereditary breast and ovarian cancer syndrome; Hereditary breast and/or ovarian cancer syndrome; BRCA1- and BRCA2-Associated Hereditary Breast and Ovarian Cancer; Hereditary breast and ovarian cancer syndrome (HBOC). Identifiers: Orphanet 145, MedGen C0677776, MeSH D061325, MONDO:0003582. Disease mechanism: loss of function.
Breast-ovarian cancer, familial, susceptibility to, 1 (BROVCA1). Also called: BRCA1 Hereditary Breast and Ovarian Cancer; OVARIAN CANCER, SUSCEPTIBILITY TO. Identifiers: Orphanet 145, MedGen C2676676, MONDO:0011450, OMIM 604370. Disease mechanism: loss of function.
Hereditary cancer-predisposing syndrome. Also called: Tumor predisposition; Hereditary Cancer Syndrome; Neoplastic Syndromes, Hereditary; Hereditary neoplastic syndrome. Identifiers: Orphanet 140162, MedGen C0027672, MeSH D009386, MONDO:0015356.

Allele frequency attached by ClinVar (database versions not stated): gnomAD exomes below 0.00001; TOPMed below 0.00001.
gnomAD v4.1: 6 of 1,613,424 alleles (0.00037%); highest among the groups gnomAD compares: Non-Finnish European, 0.00051%; no homozygotes.

Submissions (6):

Evidence-based Network for the Interpretation of Germline Mutant Alleles (ENIGMA)
Classification: Likely benign for Breast-ovarian cancer, familial, susceptibility to, 1. Last evaluated: 2017-06-29. Review status: reviewed by expert panel. Criteria: ENIGMA BRCA1/2 Classification Criteria (2017-06-29). Collection method: curation. Allele origin: germline.
Comment: Synonymous substitution variant, with low bioinformatic likelihood to result in a splicing aberration (Splicing prior probability 0.02).

Labcorp Genetics (formerly Invitae), Labcorp
Classification: Likely benign for Hereditary breast ovarian cancer syndrome. Last evaluated: 2025-08-17. Review status: criteria provided, single submitter. Criteria: Invitae Variant Classification Sherloc (09022015). Collection method: clinical testing. Allele origin: germline. Not counted in ClinVar's aggregate classification.

All of Us Research Program, National Institutes of Health
Classification: Likely benign for Breast-ovarian cancer, familial, susceptibility to, 1. Last evaluated: 2023-08-15. Review status: criteria provided, single submitter. Criteria: ACMG Guidelines, 2015. Collection method: clinical testing. Allele origin: germline. Inheritance: Autosomal dominant inheritance. Observed: 1 variant allele, 1 heterozygote. Not counted in ClinVar's aggregate classification.
Comment: This study involves interpretation of variants in research participants for the purpose of population health screening. Participant phenotype was not available at the time of variant classification. Additional details can be found in publication PMID: 35346344, PMCID: PMC8962531

Color Diagnostics, LLC DBA Color Health
Classification: Likely benign for Hereditary cancer-predisposing syndrome. Last evaluated: 2019-08-21. Review status: criteria provided, single submitter. Criteria: ACMG Guidelines, 2015. Collection method: clinical testing. Allele origin: germline. Not counted in ClinVar's aggregate classification.

Ambry Genetics
Classification: Likely benign for Hereditary cancer-predisposing syndrome. Last evaluated: 2019-06-19. Review status: criteria provided, single submitter. Criteria: Ambry Variant Classification Scheme 2023. Collection method: clinical testing. Allele origin: germline. Not counted in ClinVar's aggregate classification.

GeneDx
Classification: Likely benign. Last evaluated: 2016-07-22. Review status: criteria provided, single submitter. Criteria: GeneDx Variant Classification (06012015). Collection method: clinical testing. Allele origin: germline. Affected: yes. Not counted in ClinVar's aggregate classification.
Comment: This variant is considered likely benign or benign based on one or more of the following criteria: it is a conservative change, it occurs at a poorly conserved position in the protein, it is predicted to be benign by multiple in silico algorithms, and/or has population frequency not consistent with disease.